The following is an entry in ClinVar:

ClinVar aggregate classification (germline): Pathogenic. Review status: criteria provided, multiple submitters, no conflicts (2 of 4 stars). 2 submissions from 2 submitters: Pathogenic (2). Last evaluated 2021-07-23.

Conditions:
Thrombophilia, X-linked, due to factor 9 defect. Identifiers: MedGen C2749016, MONDO:0010432, OMIM 300807.
Hereditary factor IX deficiency disease (HEMB). Also called: Christmas Disease; F9 DEFICIENCY; FACTOR IX DEFICIENCY; PLASMA THROMBOPLASTIN COMPONENT DEFICIENCY; Hemophilia B. Identifiers: Orphanet 98879, MedGen C0008533, MeSH D002836, MONDO:0010604, OMIM 306900.

Submissions (2):

ARUP Laboratories, Molecular Genetics and Genomics, ARUP Laboratories
Classification: Pathogenic. Last evaluated: 2021-07-23. Review status: criteria provided, single submitter. Criteria: ARUP Molecular Germline Variant Investigation Process 2021. Collection method: clinical testing. Allele origin: germline.
Comment: The F9 c.545_546delCT; p.Ser182CysfsTer6 variant is reported in the literature in multiple individuals affected with severe hemophilia B (Awidi 2011, Yu 2012, Li 2014) and is also reported in F9 Variant Database and ClinVar (Variation ID: 862249). This variant is absent from the Genome Aggregation Database, indicating it is not a common polymorphism. This variant causes a frameshift by deleting two nucleotides, so it is predicted to result in a truncated protein or mRNA subject to nonsense-mediated decay. Based on available information, this variant is considered to be pathogenic. References: Awidi A et al. FIX mutation spectrum in haemophilia B patients from Jordan: identification of three novel mutations. Haemophilia. 2011 Jan;17(1):162-3. PMID: 20695909 Yu T et al. Spectrum of F9 mutations in Chinese haemophilia B patients: identification of 20 novel mutations. Pathology. 2012 Jun;44(4):342-7. PMID: 22544209 Li T et al. Mutation analysis of a cohort of US patients with hemophilia B. Am J Hematol. 2014 Apr;89(4):375-9. PMID: 24375831 Link to F9 variant database

Labcorp Genetics (formerly Invitae), Labcorp
Classification: Pathogenic for Thrombophilia, X-linked, due to factor 9 defect; Hereditary factor IX deficiency disease. Last evaluated: 2019-03-05. Review status: criteria provided, single submitter. Criteria: Invitae Variant Classification Sherloc (09022015). Collection method: clinical testing. Allele origin: germline.
Comment: This variant is not present in population databases (ExAC no frequency). For these reasons, this variant has been classified as Pathogenic. Loss-of-function variants in F9 are known to be pathogenic (PMID: 20301668). This variant has been observed in several individuals affected with Hemophilia B (PMID: 22544209, 24375831). This variant is also known as p.Ser136CysfsX6 and 20387-8 del2 in the literature. This sequence change creates a premature translational stop signal (p.Ser182Cysfs*6) in the F9 gene. It is expected to result in an absent or disrupted protein product.

Literature cited by the submitters: PubMed 20301668 (cited by Labcorp Genetics (formerly Invitae), Labcorp); PubMed 22544209 (cited by Labcorp Genetics (formerly Invitae), Labcorp); PubMed 24375831 (cited by Labcorp Genetics (formerly Invitae), Labcorp).

NM_000133.4(F9):c.545_546del (p.Ser182fs)

Gene: F9 (coagulation factor IX; plus strand). Cytogenetic location: Xq27.1.
Variant type: Deletion.
Coding change: c.545_546del on transcript NM_000133.4 (MANE Select); coding-DNA positions 545 to 546, 2 bases deleted (CT; older notation c.545_546delCT).
Protein change: p.Ser182fs; shifts the reading frame from serine 182.
Molecular consequence: frameshift variant.
Genome position (GRCh38, 1-based): chrX:139,551,086-139,551,087, CT deleted; deleting any 2 consecutive bases within chrX:139,551,085-139,551,087 gives the same sequence; the c. name uses the placement nearest the transcript's 3' end. VCF-style (leftmost placement, unchanged base first): chrX-139551084-TTC-T. GRCh37 (hg19) VCF-style: chrX-138633243-TTC-T.
Other names: c.431_432del, p.Ser144fs (NM_001313913.2); short protein forms S144fs, S182fs.
Identifiers: ClinVar variation 862249 (VCV000862249.17), dbSNP rs1433656857, ClinGen allele CA872122272.